The following is an entry in ClinVar:

NM_153682.3(PIGP):c.83-3C>T

Gene: PIGP (phosphatidylinositol glycan anchor biosynthesis class P; minus strand). Cytogenetic location: 21q22.13.
Variant type: single nucleotide variant.
Coding change: c.83-3C>T on transcript NM_153682.3 (MANE Select); 3 bases into the intron before coding-DNA position 83, C replaced by T.
Molecular consequence: intron variant.
Genome position (GRCh38, 1-based): chr21:37,069,627, G>A on the plus strand (C>T on the coding strand, the complement: PIGP is on the minus strand). VCF-style: chr21-37069627-G-A. GRCh37 (hg19) VCF-style: chr21-38441927-G-A.
Other names: c.155-3C>T (NM_153681.2); c.5-3C>T (NM_016430.4); c.83-3C>T (NM_001320480.2).
Identifiers: ClinVar variation 3606872 (VCV003606872.2).
Genomic context (GRCh38, chr21:37,069,627, plus strand): 5'-GTTAAACCTAAAGAGTTTAGCCAAGATTCAGGAATAAAGGCCCACACGAGGTAAAGTACT[G>A]TAGAAAAGAAAAAGAAAAAAAAGAGGAAGAGAAGTCAGTAAGACATACATCTAATCTATC-3'

ClinVar aggregate classification (germline): Uncertain significance (1 of 4 stars; one submission).

gnomAD v4.1: 2 of 1,551,592 alleles (0.00013%); highest among the groups gnomAD compares: Non-Finnish European, 0.00017%; no homozygotes.

Submission:

Labcorp Genetics (formerly Invitae), Labcorp
Classification: Uncertain significance. Last evaluated: 2024-10-22. Review status: criteria provided, single submitter. Criteria: Invitae Variant Classification Sherloc (09022015). Collection method: clinical testing. Allele origin: germline.
Comment: This sequence change falls in intron 1 of the PIGP gene. It does not directly change the encoded amino acid sequence of the PIGP protein. It affects a nucleotide within the consensus splice site. This variant is not present in population databases (gnomAD no frequency). This variant has not been reported in the literature in individuals affected with PIGP-related conditions. Variants that disrupt the consensus splice site are a relatively common cause of aberrant splicing (PMID: 17576681, 9536098). Algorithms developed to predict the effect of sequence changes on RNA splicing suggest that this variant is not likely to affect RNA splicing. In summary, the available evidence is currently insufficient to determine the role of this variant in disease. Therefore, it has been classified as a Variant of Uncertain Significance.

Literature cited by the submitters: PubMed 17576681; PubMed 9536098.